The following is an entry in ClinVar:

NM_001174096.2(ZEB1):c.2242T>C (p.Leu748=)

Gene: ZEB1 (zinc finger E-box binding homeobox 1; plus strand). Cytogenetic location: 10p11.22.
Variant type: single nucleotide variant.
Coding change: c.2242T>C on transcript NM_001174096.2 (MANE Select); coding-DNA position 2242, T replaced by C.
Protein change: p.Leu748=; no amino-acid change (leucine 748 retained).
Molecular consequence: synonymous variant.
Genome position (GRCh38, 1-based): chr10:31,521,574, T>C. VCF-style: chr10-31521574-T-C. GRCh37 (hg19) VCF-style: chr10-31810502-T-C.
Other names: c.2191T>C, p.Leu731= (NM_001128128.3); c.2179T>C, p.Leu727= (NM_001174093.2); c.2188T>C, p.Leu730= (NM_001174094.2); c.2038T>C, p.Leu680= (NM_001174095.2); c.1585T>C, p.Leu529= (NM_001323638.2, NM_001323641.2, NM_001323642.2 and 27 more transcripts); c.2017T>C, p.Leu673= (NM_001323674.2); c.1975T>C, p.Leu659= (NM_001323675.2); c.2200T>C, p.Leu734= (NM_001323676.2); and 3 more.
Identifiers: ClinVar variation 3048406 (VCV003048406.2), dbSNP rs117534296, ClinGen allele CA5461760.
Genomic context (GRCh38, chr10:31,521,574, plus strand): 5'-CAAGAAGAGCCACAAGTAGAACCTCTTGATCTTTCACTACCAAAGCAACAGGGAGAATTA[T>C]TAGAAAGGTCAACTATCACTAGTGTTTACCAGAACAGTGTTTATTCTGTCCAGGAAGAAC-3'
Protein context (NP_001167567.1, residues 738-758): LSLPKQQGEL[Leu748=]ERSTITSVYQ

ClinVar aggregate classification (germline): Likely benign (0 of 4 stars; one submission).

Conditions:
ZEB1-related disorder. Also called: ZEB1-related condition.

Allele frequency attached by ClinVar (database versions not stated): gnomAD 0.00011; TOPMed 0.00017; gnomAD exomes 0.00018; ExAC 0.00021; 1000 Genomes Project 30x 0.00047; 1000 Genomes Project 0.00060.
gnomAD v4.1: 280 of 1,614,112 alleles (0.017%); highest among the groups gnomAD compares: East Asian, 0.48%; 2 homozygotes.

Submission:

PreventionGenetics, part of Exact Sciences
Classification: Likely benign for ZEB1-related condition. Last evaluated: 2019-12-23. Review status: no assertion criteria provided. Collection method: clinical testing. Allele origin: germline.
Comment: This variant is classified as likely benign based on ACMG/AMP sequence variant interpretation guidelines (Richards et al. 2015 PMID: 25741868, with internal and published modifications).